The following is an entry in ClinVar:

ClinVar aggregate classification (germline): Uncertain significance. Review status: criteria provided, multiple submitters, no conflicts (2 of 4 stars). 2 submissions from 2 submitters: Uncertain significance (2). Last evaluated 2026-08-04.

Allele frequency attached by ClinVar (database versions not stated): gnomAD 0.00003; TOPMed 0.00001; gnomAD exomes 0.00003 and 0.00008; ExAC 0.00233.
gnomAD v4.1: 48 of 1,411,788 alleles (0.0034%); highest among the groups gnomAD compares: South Asian, 0.064%; 1 homozygote.

Submissions (2):

GeneDx
Classification: Uncertain significance. Last evaluated: 2026-08-04. Review status: criteria provided, single submitter. Criteria: GeneDx Variant Classification Process June 2021. Collection method: clinical testing. Allele origin: germline.
Comment: In silico analysis suggests that this missense variant does not alter protein structure/function; Has not been previously published as pathogenic or benign to our knowledge

Labcorp Genetics (formerly Invitae), Labcorp
Classification: Uncertain significance. Last evaluated: 2026-01-06. Review status: criteria provided, single submitter. Criteria: Invitae Variant Classification Sherloc (09022015). Collection method: clinical testing. Allele origin: germline.
Comment: This sequence change replaces alanine, which is neutral and non-polar, with threonine, which is neutral and polar, at codon 5 of the OTOG protein (p.Ala5Thr). The frequency data for this variant in the population databases is considered unreliable, as metrics indicate poor data quality at this position in the gnomAD database. This variant has not been reported in the literature in individuals affected with OTOG-related conditions. ClinVar contains an entry for this variant (Variation ID: 1300734). An algorithm developed to predict the effect of missense changes on protein structure and function outputs the following: PolyPhen-2: "Benign". The threonine amino acid residue is found in multiple mammalian species, which suggests that this missense change does not adversely affect protein function. In summary, the available evidence is currently insufficient to determine the role of this variant in disease. Therefore, it has been classified as a Variant of Uncertain Significance.

NM_001292063.2(OTOG):c.13G>A (p.Ala5Thr)

Gene: OTOG (otogelin; plus strand). Cytogenetic location: 11p15.1.
Variant type: single nucleotide variant.
Coding change: c.13G>A on transcript NM_001292063.2 (MANE Select); coding-DNA position 13, G replaced by A.
Protein change: p.Ala5Thr; replaces alanine 5 with threonine.
Molecular consequence: missense variant.
Genome position (GRCh38, 1-based): chr11:17,547,385, G>A. VCF-style: chr11-17547385-G-A. GRCh37 (hg19) VCF-style: chr11-17568932-G-A.
Other names: c.13G>A, p.Ala5Thr (NM_001277269.2); short protein forms A5T.
Identifiers: ClinVar variation 1300734 (VCV001300734.8), dbSNP rs533327958, ClinGen allele CA5905304.